The following is an entry in ClinVar:

ClinVar aggregate classification (germline): Uncertain significance (1 of 4 stars; one submission).

gnomAD v4.1: 1 of 1,561,786 alleles (0.000064%); highest among the groups gnomAD compares: Non-Finnish European, 0.000087%; no homozygotes.

Submission:

GeneDx
Classification: Uncertain significance. Last evaluated: 2024-07-02. Review status: criteria provided, single submitter. Criteria: GeneDx Variant Classification Process June 2021. Collection method: clinical testing. Allele origin: germline. Affected: yes.
Comment: Not observed at significant frequency in large population cohorts (gnomAD); In silico analysis supports a deleterious effect on splicing; Has not been previously published as pathogenic or benign to our knowledge

NM_197968.4(ZMYM2):c.2912-6T>C

Gene: ZMYM2 (zinc finger MYM-type containing 2; plus strand). Cytogenetic location: 13q12.11.
Variant type: single nucleotide variant.
Coding change: c.2912-6T>C on transcript NM_197968.4 (MANE Select); 6 bases into the intron before coding-DNA position 2912, T replaced by C.
Molecular consequence: intron variant.
Genome position (GRCh38, 1-based): chr13:20,062,840, T>C. VCF-style: chr13-20062840-T-C. GRCh37 (hg19) VCF-style: chr13-20636980-T-C.
Other names: c.2651-6T>C (NM_001353163.2); c.2912-6T>C (NM_001353157.2, NM_001353164.2, NM_001353159.2 and 5 more transcripts); c.2717-6T>C (NM_001353161.3).
Identifiers: ClinVar variation 3393828 (VCV003393828.1).